The following is an entry in ClinVar:

ClinVar aggregate classification (germline): Uncertain significance (1 of 4 stars; one submission).

Conditions:
Costello syndrome (CSTLO). Also called: HRAS-Related Costello Syndrome; FACIOCUTANEOSKELETAL SYNDROME; FCS SYNDROME. Identifiers: Orphanet 3071, MedGen C0587248, MONDO:0009026, OMIM 218040.

Submission:

Labcorp Genetics (formerly Invitae), Labcorp
Classification: Uncertain significance for Costello syndrome. Last evaluated: 2025-11-10. Review status: criteria provided, single submitter. Criteria: Invitae Variant Classification Sherloc (09022015). Collection method: clinical testing. Allele origin: germline.
Comment: This sequence change replaces aspartic acid, which is acidic and polar, with histidine, which is basic and polar, at codon 105 of the HRAS protein (p.Asp105His). This variant is not present in population databases (gnomAD no frequency). This variant has not been reported in the literature in individuals affected with HRAS-related conditions. ClinVar contains an entry for this variant (Variation ID: 2119240). Invitae Evidence Modeling of protein sequence and biophysical properties (such as structural, functional, and spatial information, amino acid conservation, physicochemical variation, residue mobility, and thermodynamic stability) indicates that this missense variant is expected to disrupt HRAS protein function with a positive predictive value of 80%. In summary, the available evidence is currently insufficient to determine the role of this variant in disease. Therefore, it has been classified as a Variant of Uncertain Significance.

NM_005343.4(HRAS):c.313G>C (p.Asp105His)

Genes: HRAS (HRas proto-oncogene, GTPase; minus strand), LRRC56 (leucine rich repeat containing 56; plus strand). Cytogenetic location: 11p15.5.
Variant type: single nucleotide variant.
Coding change: c.313G>C on transcript NM_005343.4 (MANE Select); coding-DNA position 313, G replaced by C.
Protein change: p.Asp105His; replaces aspartic acid 105 with histidine.
Molecular consequence: missense variant. On other transcripts: 5 prime UTR variant (1).
Genome position (GRCh38, 1-based): chr11:533,590, C>G on the plus strand (G>C on the coding strand, the complement: HRAS is on the minus strand). VCF-style: chr11-533590-C-G. GRCh37 (hg19) VCF-style: chr11-533590-C-G.
Other names: c.313G>C, p.Asp105His (NM_001130442.3, NM_176795.5); c.-7G>C (NM_001318054.2); short protein forms D105H.
Identifiers: ClinVar variation 2119240 (VCV002119240.4), dbSNP rs1274939921, ClinGen allele CA378923804.
Genomic context (GRCh38, chr11:533,590, plus strand): 5'-CAGTGCGTGCAGCCAGGTCACACTTGTTCCCCACCAGCACCATGGGCACGTCATCCGAGT[C>G]CTTCACCCGTTTGATCTGCTCCCTGAGAGGTGGAAAGCGAGAGCTGGCTACGGGGGCTGC-3'
Protein context (NP_005334.1, residues 95-115): QYREQIKRVK[Asp105His]SDDVPMVLVG